The following is an entry in ClinVar:

ClinVar aggregate classification (germline): Uncertain significance (1 of 4 stars; one submission).

Conditions:
Severe combined immunodeficiency due to DNA-PKcs deficiency. Also called: IMMUNODEFICIENCY 26 WITH NEUROLOGIC ABNORMALITIES; Immunodeficiency 26 with or without neurologic abnormalities. Identifiers: Orphanet 317425, MedGen C4014833, MONDO:0014423, OMIM 615966.

Allele frequency attached by ClinVar (database versions not stated): TOPMed 0.00002.
gnomAD v4.1: 1 of 1,609,014 alleles (0.000062%); highest among the groups gnomAD compares: Admixed American, 0.0017%; no homozygotes.

Submission:

Labcorp Genetics (formerly Invitae), Labcorp
Classification: Uncertain significance for Severe combined immunodeficiency due to DNA-PKcs deficiency. Last evaluated: 2024-07-31. Review status: criteria provided, single submitter. Criteria: Invitae Variant Classification Sherloc (09022015). Collection method: clinical testing. Allele origin: germline.
Comment: This sequence change affects an acceptor splice site in intron 55 of the PRKDC gene. It is expected to disrupt RNA splicing. Variants that disrupt the donor or acceptor splice site typically lead to a loss of protein function (PMID: 16199547), however the current clinical and genetic evidence is not sufficient to establish whether loss-of-function variants in PRKDC cause disease. This variant is not present in population databases (gnomAD no frequency). This variant has not been reported in the literature in individuals affected with PRKDC-related conditions. ClinVar contains an entry for this variant (Variation ID: 1492381). Algorithms developed to predict the effect of sequence changes on RNA splicing suggest that this variant may disrupt the consensus splice site. In summary, the available evidence is currently insufficient to determine the role of this variant in disease. Therefore, it has been classified as a Variant of Uncertain Significance.

Literature cited by the submitters: PubMed 16199547.

NM_006904.7(PRKDC):c.7455-2A>G

Gene: PRKDC (protein kinase, DNA-activated, catalytic subunit; minus strand). Cytogenetic location: 8q11.21.
Variant type: single nucleotide variant.
Coding change: c.7455-2A>G on transcript NM_006904.7 (MANE Select); the canonical splice acceptor site of the intron before coding-DNA position 7455, A replaced by G.
Molecular consequence: splice acceptor variant.
Genome position (GRCh38, 1-based): chr8:47,839,248, T>C on the plus strand (A>G on the coding strand, the complement: PRKDC is on the minus strand). VCF-style: chr8-47839248-T-C. GRCh37 (hg19) VCF-style: chr8-48751809-T-C.
Other names: c.7455-2A>G (NM_001081640.2).
Identifiers: ClinVar variation 1492381 (VCV001492381.4), dbSNP rs1367890747, ClinGen allele CA371154908.